The following is an entry in ClinVar:

ClinVar aggregate classification (germline): Uncertain significance (1 of 4 stars; one submission).

Allele frequency attached by ClinVar (database versions not stated): gnomAD exomes below 0.00001.
gnomAD v4.1: 1 of 1,612,310 alleles (0.000062%); highest among the groups gnomAD compares: Non-Finnish European, 0.000085%; no homozygotes.

Submission:

Laboratorio de Genetica e Diagnostico Molecular, Hospital Israelita Albert Einstein
Classification: Uncertain significance. Last evaluated: 2019-04-16. Review status: criteria provided, single submitter. Criteria: ACMG Guidelines, 2015. Collection method: clinical testing. Allele origin: germline. Affected: yes.
Comment: ACMG classification criteria: PM2, BP7

NM_000153.4(GALC):c.897C>G (p.Gly299=)

Gene: GALC (galactosylceramidase; minus strand). Cytogenetic location: 14q31.3.
Variant type: single nucleotide variant.
Coding change: c.897C>G on transcript NM_000153.4 (MANE Select); coding-DNA position 897, C replaced by G.
Protein change: p.Gly299=; no amino-acid change (glycine 299 retained).
Molecular consequence: synonymous variant.
Genome position (GRCh38, 1-based): chr14:87,968,346, G>C on the plus strand (C>G on the coding strand, the complement: GALC is on the minus strand). VCF-style: chr14-87968346-G-C. GRCh37 (hg19) VCF-style: chr14-88434690-G-C.
Other names: c.828C>G, p.Gly276= (NM_001201401.2); c.819C>G, p.Gly273= (NM_001201402.2).
Identifiers: ClinVar variation 1690766 (VCV001690766.2), dbSNP rs2140001425, ClinGen allele CA487365212.